The following is an entry in ClinVar:

ClinVar aggregate classification (germline): Uncertain significance (1 of 4 stars; one submission).

Conditions:
Hereditary breast ovarian cancer syndrome. Also called: Hereditary breast and ovarian cancer syndrome (HBOC); BRCA1- and BRCA2-Associated Hereditary Breast and Ovarian Cancer; Hereditary breast and/or ovarian cancer syndrome; Hereditary breast and ovarian cancer syndrome; Hereditary breast and ovarian cancer; Breast and ovarian cancer. Identifiers: Orphanet 145, MedGen C0677776, MeSH D061325, MONDO:0003582. Disease mechanism: loss of function.

Allele frequency attached by ClinVar (database versions not stated): gnomAD exomes below 0.00001.
gnomAD v4.1: 1 of 1,613,290 alleles (0.000062%); highest among the groups gnomAD compares: Non-Finnish European, 0.000085%; no homozygotes.

Submissions (2):

Labcorp Genetics (formerly Invitae), Labcorp
Classification: Uncertain significance for Hereditary breast ovarian cancer syndrome. Last evaluated: 2017-02-06. Review status: criteria provided, single submitter. Criteria: Invitae Variant Classification Sherloc (09022015). Collection method: clinical testing. Allele origin: germline.
Comment: This sequence change falls in intron 21 of the BRCA1 gene. It does not directly change the encoded amino acid sequence of the BRCA1 protein, but it affects a nucleotide within the consensus splice site of the intron. This variant is not present in population databases (ExAC no frequency) and has not been reported in the literature in individuals with a BRCA1-related disease. Algorithms developed to predict the effect of sequence changes on RNA splicing suggest that this variant may alter RNA splicing, but this prediction has not been confirmed by published transcriptional studies. In summary, this is a novel intronic change with uncertain impact on splicing. It has been classified as a Variant of Uncertain Significance.

Brotman Baty Institute, University of Washington
No classification provided (evidence only). Condition: Breast-ovarian cancer, familial 1. Review status: no classification provided. Collection method: in vitro. Allele origin: not applicable. Functional consequence: functionally_abnormal. Not counted in ClinVar's aggregate classification.
ClinVar note: "not provided" was previously submitted as the classification for the variant. However, the classification appeared to be based only on an observation of functional data so it was converted to no classification on 2025-07-30.

NM_007294.4(BRCA1):c.5406+6T>A

Gene: BRCA1 (BRCA1 DNA repair associated; minus strand). Cytogenetic location: 17q21.31.
Variant type: single nucleotide variant.
Coding change: c.5406+6T>A on transcript NM_007294.4 (MANE Select); 6 bases into the intron after coding-DNA position 5406, T replaced by A.
Molecular consequence: intron variant.
Genome position (GRCh38, 1-based): chr17:43,049,115, A>T on the plus strand (T>A on the coding strand, the complement: BRCA1 is on the minus strand). VCF-style: chr17-43049115-A-T. GRCh37 (hg19) VCF-style: chr17-41201132-A-T.
Other names: c.2088+6T>A (NM_001408406.1, NM_001408408.1, NM_001408407.1); c.5400+6T>A (NM_001407641.1, NM_001407629.1, NM_001407636.1 and 13 more transcripts); c.5403+6T>A (NM_001407624.1, NM_001407616.1, NM_001407612.1 and 14 more transcripts); c.5330-1412T>A (NM_001407858.1, NM_001407859.1, NM_001407860.1); c.5469+6T>A (NM_007300.4, NM_001407583.1, NM_001407587.1 and 1 more transcripts); c.5472+6T>A (NM_001407581.1, NM_001407582.1); c.4899+6T>A (NM_001407965.1); c.5139+6T>A (NM_001407930.1, NM_001407933.1, NM_001407927.1 and 4 more transcripts); and 84 more.
Identifiers: ClinVar variation 462673 (VCV000462673.4), dbSNP rs1555575074, ClinGen allele CA658656634.